The following is an entry in ClinVar:

NM_000222.3(KIT):c.1232-6C>G

Gene: KIT (KIT proto-oncogene, receptor tyrosine kinase; plus strand). Cytogenetic location: 4q12.
Variant type: single nucleotide variant.
Coding change: c.1232-6C>G on transcript NM_000222.3 (MANE Select); 6 bases into the intron before coding-DNA position 1232, C replaced by G.
Molecular consequence: intron variant.
Genome position (GRCh38, 1-based): chr4:54,723,578, C>G. VCF-style: chr4-54723578-C-G. GRCh37 (hg19) VCF-style: chr4-55589744-C-G.
Other names: c.1235-6C>G (NM_001385284.1, NM_001385290.1, NM_001385288.1 and 1 more transcripts); c.1232-6C>G (NM_001385285.1, NM_001093772.2, NM_001385286.1).
Identifiers: ClinVar variation 458860 (VCV000458860.12), dbSNP rs1553890995, ClinGen allele CA658655851.

ClinVar aggregate classification (germline): Likely benign. Review status: criteria provided, multiple submitters, no conflicts (2 of 4 stars). 2 submissions from 2 submitters: Likely benign (2). Last evaluated 2024-02-24.

Conditions:
Gastrointestinal stromal tumor. Also called: Gastrointestinal stroma tumor; Gastrointestinal stromal tumor, somatic. Identifiers: Orphanet 44890, MedGen C0238198, MeSH D046152, MONDO:0011719, OMIM 606764, HP:0100723.

Submissions (2):

Labcorp Genetics (formerly Invitae), Labcorp
Classification: Likely benign for Gastrointestinal stromal tumor. Last evaluated: 2024-02-24. Review status: criteria provided, single submitter. Criteria: Invitae Variant Classification Sherloc (09022015). Collection method: clinical testing. Allele origin: germline.

University of Washington Department of Laboratory Medicine, University of Washington
Classification: Likely benign for Gastrointestinal stroma tumor. Last evaluated: 2018-04-06. Review status: criteria provided, single submitter. Criteria: Tsai GJ et al. (Genet Med 2018). Collection method: research. Allele origin: germline. Inheritance: Autosomal dominant inheritance. Affected: no.
Comment: KIT c.1232-6C>G is classified as likely benign. In one observed family, this variant was identified in two family members over 70 years old who have no history of gastrointestinal stromal tumors. No other family members have a reported history of gastrointestinal stromal tumors or piebaldism, which are associated with pathogenic germline KIT mutations. This variant occurs in a later intronic region (intron 7) and is not predicted to have a significant impact on splicing (Human Splice Finder 3.0). The combined results are consistent with a classification of likely benign. This variant is not predicted to alter KIT function or modify cancer risk. A modest (less than 2 fold) increase in cancer risk due to this variant cannot be entirely excluded. This analysis was performed in conjunction with the family studies project as part of the University of Washington Find My Variant Study.